The following is an entry in ClinVar:

ClinVar aggregate classification (germline): Uncertain significance (1 of 4 stars; one submission).

Conditions:
Autosomal dominant hypocalcemia 1 (HYPOC1). Also called: HYPOCALCEMIA, FAMILIAL. Identifiers: MedGen C3715128, MONDO:0011013, OMIM 601198.
Familial hypocalciuric hypercalcemia (FHH). Also called: Familial benign hypercalcemia. Identifiers: Orphanet 405, MedGen C1809471, MONDO:0018458.

Submission:

Labcorp Genetics (formerly Invitae), Labcorp
Classification: Uncertain significance for Familial hypocalciuric hypercalcemia; Autosomal dominant hypocalcemia 1. Last evaluated: 2023-11-20. Review status: criteria provided, single submitter. Criteria: Invitae Variant Classification Sherloc (09022015). Collection method: clinical testing. Allele origin: germline.
Comment: This sequence change replaces aspartic acid, which is acidic and polar, with asparagine, which is neutral and polar, at codon 215 of the CASR protein (p.Asp215Asn). This variant is not present in population databases (gnomAD no frequency). This variant has not been reported in the literature in individuals affected with CASR-related conditions. An algorithm developed to predict the effect of missense changes on protein structure and function (PolyPhen-2) suggests that this variant is likely to be disruptive. In summary, the available evidence is currently insufficient to determine the role of this variant in disease. Therefore, it has been classified as a Variant of Uncertain Significance.

NM_000388.4(CASR):c.643G>A (p.Asp215Asn)

Gene: CASR (calcium sensing receptor; plus strand). Cytogenetic location: 3q21.1.
Variant type: single nucleotide variant.
Coding change: c.643G>A on transcript NM_000388.4 (MANE Select); coding-DNA position 643, G replaced by A.
Protein change: p.Asp215Asn; replaces aspartic acid 215 with asparagine.
Molecular consequence: missense variant.
Genome position (GRCh38, 1-based): chr3:122,261,678, G>A. VCF-style: chr3-122261678-G-A. GRCh37 (hg19) VCF-style: chr3-121980525-G-A.
Other names: c.643G>A, p.Asp215Asn (NM_001178065.2); short protein forms D215N.
Identifiers: ClinVar variation 2951375 (VCV002951375.3), dbSNP rs1553731681, ClinGen allele CA354151032.